The following is an entry in ClinVar:

ClinVar aggregate classification (germline): Uncertain significance. Review status: criteria provided, multiple submitters, no conflicts (2 of 4 stars). 2 submissions from 2 submitters: Uncertain significance (2). Last evaluated 2026-03-30.

Conditions:
PHIP-related disorder. Also called: PHIP-related disorders; PHIP-related condition.
Inborn genetic diseases. Identifiers: MedGen C0950123, MeSH D030342.

gnomAD v4.1: 66 of 1,607,326 alleles (0.0041%); highest among the groups gnomAD compares: Non-Finnish European, 0.0054%; no homozygotes.

Submissions (2):

PreventionGenetics, part of Exact Sciences
Classification: Uncertain significance for PHIP-related condition. Last evaluated: 2026-03-30. Review status: criteria provided, single submitter. Criteria: ACMG Guidelines, 2015. Collection method: clinical testing. Allele origin: germline.
Comment: The PHIP c.2360A>G variant is predicted to result in the amino acid substitution p.Lys787Arg. To our knowledge, this variant has not been reported in the literature. This variant is reported in 0.00088% of alleles in individuals of European (Non-Finnish) descent in gnomAD. At this time, the clinical significance of this variant is uncertain due to the absence of conclusive functional and genetic evidence.

Ambry Genetics
Classification: Uncertain significance for Inborn genetic diseases. Last evaluated: 2025-09-01. Review status: criteria provided, single submitter. Criteria: Ambry Variant Classification Scheme 2023. Collection method: clinical testing. Allele origin: germline.

NM_017934.7(PHIP):c.2360A>G (p.Lys787Arg)

Gene: PHIP (PHIP subunit of CUL4-Ring ligase complex; minus strand). Cytogenetic location: 6q14.1.
Variant type: single nucleotide variant.
Coding change: c.2360A>G on transcript NM_017934.7 (MANE Select); coding-DNA position 2360, A replaced by G.
Protein change: p.Lys787Arg; replaces lysine 787 with arginine.
Molecular consequence: missense variant.
Genome position (GRCh38, 1-based): chr6:78,988,309, T>C on the plus strand (A>G on the coding strand, the complement: PHIP is on the minus strand). VCF-style: chr6-78988309-T-C. GRCh37 (hg19) VCF-style: chr6-79698026-T-C.
Other names: c.2360A>G (NM_017934.6); short protein forms K787R.
Identifiers: ClinVar variation 4135821 (VCV004135821.2).